The following is an entry in ClinVar:

NM_002693.3(POLG):c.158A>C (p.Gln53Pro)

Genes: POLG (DNA polymerase gamma, catalytic subunit; minus strand), POLGARF (POLG alternative reading frame; minus strand). Cytogenetic location: 15q26.1.
Variant type: single nucleotide variant.
Coding change: c.158A>C on transcript NM_002693.3 (MANE Select); coding-DNA position 158, A replaced by C.
Protein change: p.Gln53Pro; replaces glutamine 53 with proline.
Molecular consequence: missense variant.
Genome position (GRCh38, 1-based): chr15:89,333,597, T>G on the plus strand (A>C on the coding strand, the complement: POLG is on the minus strand). VCF-style: chr15-89333597-T-G. GRCh37 (hg19) VCF-style: chr15-89876828-T-G.
Other names: c.158A>C, p.Gln53Pro (NM_001126131.2); short protein forms Q53P.
Identifiers: ClinVar variation 619316 (VCV000619316.4), dbSNP rs527965158, ClinGen allele CA7725180.

ClinVar aggregate classification (germline): Uncertain significance. Review status: criteria provided, multiple submitters, no conflicts (2 of 4 stars). 2 submissions from 2 submitters: Uncertain significance (2). Last evaluated 2022-06-18.

Conditions:
Progressive sclerosing poliodystrophy (MTDPS4A). Also called: Alpers-Huttenlocher Syndrome (AHS); Alpers Syndrome; ALPERS PROGRESSIVE INFANTILE POLIODYSTROPHY; Mitochondrial DNA depletion syndrome 4A (Alpers type); ALPERS DIFFUSE DEGENERATION OF CEREBRAL GRAY MATTER WITH HEPATIC CIRRHOSIS; Alpers-Huttenlocher Syndrome. Identifiers: Orphanet 726, MedGen C0205710, MONDO:0008758, OMIM 203700.

Allele frequency attached by ClinVar (database versions not stated): gnomAD exomes 0.00002; TOPMed 0.00002; gnomAD 0.00005; ExAC 0.00010; 1000 Genomes Project 0.00040.
gnomAD v4.1: 26 of 1,310,016 alleles (0.002%); highest among the groups gnomAD compares: South Asian, 0.0038%; no homozygotes.

Submissions (2):

Labcorp Genetics (formerly Invitae), Labcorp
Classification: Uncertain significance for Progressive sclerosing poliodystrophy. Last evaluated: 2022-06-18. Review status: criteria provided, single submitter. Criteria: Invitae Variant Classification Sherloc (09022015). Collection method: clinical testing. Allele origin: germline.
Comment: This sequence change replaces glutamine, which is neutral and polar, with proline, which is neutral and non-polar, at codon 53 of the POLG protein (p.Gln53Pro). The frequency data for this variant in the population databases is considered unreliable, as metrics indicate poor data quality at this position in the gnomAD database. This variant has not been reported in the literature in individuals affected with POLG-related conditions. ClinVar contains an entry for this variant (Variation ID: 619316). Algorithms developed to predict the effect of missense changes on protein structure and function (SIFT, PolyPhen-2, Align-GVGD) all suggest that this variant is likely to be tolerated. In summary, the available evidence is currently insufficient to determine the role of this variant in disease. Therefore, it has been classified as a Variant of Uncertain Significance.

Wong Mito Lab, Molecular and Human Genetics, Baylor College of Medicine
Classification: Uncertain significance for Progressive sclerosing poliodystrophy. Last evaluated: 2018-10-01. Review status: criteria provided, single submitter. Criteria: ACMG Guidelines, 2015. Collection method: clinical testing. Allele origin: germline.
Comment: The NM_002693.2:c.158A>C (NP_002684.1:p.Gln53Pro) [GRCH38: NC_000015.10:g.89333597T>G] variant in POLG gene is interpretated to be a Uncertain Significance based on ACMG guidelines (PMID: 25741868). This variant meets the following evidence codes reported in the ACMG-guideline. PM2:This variant is absent in key population databases. BP4:Computational evidence/predictors indicate no impact on the POLG structure, function, or protein-protein interaction. Based on the evidence criteria codes applied, the variant is suggested to be Uncertain Significance.